The following is an entry in ClinVar:

ClinVar aggregate classification (germline): Uncertain significance (1 of 4 stars; one submission).

Submission:

Labcorp Genetics (formerly Invitae), Labcorp
Classification: Uncertain significance. Last evaluated: 2024-10-24. Review status: criteria provided, single submitter. Criteria: Invitae Variant Classification Sherloc (09022015). Collection method: clinical testing. Allele origin: germline.
Comment: This sequence change replaces glutamine, which is neutral and polar, with arginine, which is basic and polar, at codon 353 of the LRP2 protein (p.Gln353Arg). This variant is not present in population databases (gnomAD no frequency). This variant has not been reported in the literature in individuals affected with LRP2-related conditions. ClinVar contains an entry for this variant (Variation ID: 1380864). Invitae Evidence Modeling of protein sequence and biophysical properties (such as structural, functional, and spatial information, amino acid conservation, physicochemical variation, residue mobility, and thermodynamic stability) indicates that this missense variant is not expected to disrupt LRP2 protein function with a negative predictive value of 95%. In summary, the available evidence is currently insufficient to determine the role of this variant in disease. Therefore, it has been classified as a Variant of Uncertain Significance.

NM_004525.3(LRP2):c.1058A>G (p.Gln353Arg)

Gene: LRP2 (LDL receptor related protein 2; minus strand). Cytogenetic location: 2q31.1.
Variant type: single nucleotide variant.
Coding change: c.1058A>G on transcript NM_004525.3 (MANE Select); coding-DNA position 1058, A replaced by G.
Protein change: p.Gln353Arg; replaces glutamine 353 with arginine.
Molecular consequence: missense variant.
Genome position (GRCh38, 1-based): chr2:169,282,986, T>C on the plus strand (A>G on the coding strand, the complement: LRP2 is on the minus strand). VCF-style: chr2-169282986-T-C. GRCh37 (hg19) VCF-style: chr2-170139496-T-C.
Other names: short protein forms Q353R.
Identifiers: ClinVar variation 1380864 (VCV001380864.5), dbSNP rs2105454660, ClinGen allele CA349152429.